The following is an entry in ClinVar:

NM_003489.4(NRIP1):c.2335G>T (p.Ala779Ser)

Gene: NRIP1 (nuclear receptor interacting protein 1; minus strand). Cytogenetic location: 21q11.2.
Variant type: single nucleotide variant.
Coding change: c.2335G>T on transcript NM_003489.4 (MANE Select); coding-DNA position 2335, G replaced by T.
Protein change: p.Ala779Ser; replaces alanine 779 with serine.
Molecular consequence: missense variant.
Genome position (GRCh38, 1-based): chr21:14,965,858, C>A on the plus strand (G>T on the coding strand, the complement: NRIP1 is on the minus strand). VCF-style: chr21-14965858-C-A. GRCh37 (hg19) VCF-style: chr21-16338179-C-A.
Other names: short protein forms A779S.
Identifiers: ClinVar variation 3031436 (VCV003031436.2), dbSNP rs369506309, ClinGen allele CA9981167.

ClinVar aggregate classification (germline): Uncertain significance (0 of 4 stars; one submission).

Conditions:
NRIP1-related disorder. Also called: NRIP1-related condition.

Allele frequency attached by ClinVar (database versions not stated): ExAC 0.00001; gnomAD exomes 0.00001; TOPMed 0.00002; gnomAD 0.00003; ESP Exome Variant Server 0.00008.
gnomAD v4.1: 12 of 1,613,908 alleles (0.00074%); highest among the groups gnomAD compares: Middle Eastern, 0.016%; no homozygotes.

Submission:

PreventionGenetics, part of Exact Sciences
Classification: Uncertain significance for NRIP1-related condition. Last evaluated: 2024-02-14. Review status: no assertion criteria provided. Collection method: clinical testing. Allele origin: germline.
Comment: The NRIP1 c.2335G>T variant is predicted to result in the amino acid substitution p.Ala779Ser. To our knowledge, this variant has not been reported in the literature. This variant is reported in 0.00088% of alleles in individuals of European (non-Finnish) descent in gnomAD. At this time, the clinical significance of this variant is uncertain due to the absence of conclusive functional and genetic evidence.